The following is an entry in ClinVar:

NM_024426.6(WT1):c.1477A>C (p.Ser493Arg)

Gene: WT1 (WT1 transcription factor; minus strand). Cytogenetic location: 11p13.
Variant type: single nucleotide variant.
Coding change: c.1477A>C on transcript NM_024426.6 (MANE Select); coding-DNA position 1477, A replaced by C.
Protein change: p.Ser493Arg; replaces serine 493 with arginine.
Molecular consequence: missense variant. On other transcripts: non-coding transcript variant (1).
Genome position (GRCh38, 1-based): chr11:32,389,150, T>G on the plus strand (A>C on the coding strand, the complement: WT1 is on the minus strand). VCF-style: chr11-32389150-T-G. GRCh37 (hg19) VCF-style: chr11-32410696-T-G.
Other names: c.1417A>C, p.Ser473Arg (NM_000378.6); c.817A>C, p.Ser273Arg (NM_001198551.2); c.775A>C, p.Ser259Arg (NM_001198552.2); c.289A>C, p.Ser97Arg (NM_001367854.1); c.1462A>C, p.Ser488Arg (NM_001407044.1); c.1426A>C, p.Ser476Arg (NM_001407045.1); c.1384A>C, p.Ser462Arg (NM_001407046.1); c.1345A>C, p.Ser449Arg (NM_001407047.1); and 6 more; short protein forms S273R, S473R, S493R, S259R, S490R, S97R, S471R, S476R.
Identifiers: ClinVar variation 649536 (VCV000649536.10), dbSNP rs776256676, ClinGen allele CA379957741.
Genomic context (GRCh38, chr11:32,389,150, plus strand): 5'-TCTGATGCATGTTGTGATGGCGGACTAATTCATCTGACCGGGCAAACTTTTTCTGACAAC[T>G]TGGCCACCGACAGCTGAAGGGCTTTTCACCTGTTGACACAATTGCCAGTCAGAGACACTT-3'
Protein context (NP_077744.4, residues 483-503): SEKPFSCRWP[Ser493Arg]CQKKFARSDE

ClinVar aggregate classification (germline): Uncertain significance (1 of 4 stars; one submission).

Conditions:
Drash syndrome (DDS). Also called: WILMS TUMOR AND PSEUDO- OR TRUE HERMAPHRODITISM; NEPHROPATHY, WILMS TUMOR, AND GENITAL ANOMALIES. Identifiers: Orphanet 220, MedGen C0950121, MONDO:0008682, OMIM 194080.
Wilms tumor 1 (WT1). Also called: Wilms tumor, somatic. Identifiers: Orphanet 654, MedGen CN033288, MONDO:0008679, OMIM 194070.
11p partial monosomy syndrome (WAGR). Also called: WAGR Spectrum Disorder; WAGR Complex; WAGR syndrome; CHROMOSOME 11p13 DELETION SYNDROME. Identifiers: Orphanet 893, MedGen C0206115, MONDO:0008681, OMIM 194072.
Frasier syndrome. Identifiers: Orphanet 347, MedGen C0950122, MeSH D052159, MONDO:0007635, OMIM 136680.

Submission:

Labcorp Genetics (formerly Invitae), Labcorp
Classification: Uncertain significance for Wilms tumor 1; Drash syndrome; 11p partial monosomy syndrome; Frasier syndrome. Last evaluated: 2018-07-09. Review status: criteria provided, single submitter. Criteria: Invitae Variant Classification Sherloc (09022015). Collection method: clinical testing. Allele origin: germline.
Comment: This sequence change replaces serine with arginine at codon 488 of the WT1 protein (p.Ser488Arg). The serine residue is highly conserved and there is a moderate physicochemical difference between serine and arginine. This variant is not present in population databases (ExAC no frequency). This variant has not been reported in the literature in individuals with WT1-related disease. Algorithms developed to predict the effect of missense changes on protein structure and function (SIFT, PolyPhen-2, Align-GVGD) all suggest that this variant is likely to be disruptive, but these predictions have not been confirmed by published functional studies and their clinical significance is uncertain. In summary, the available evidence is currently insufficient to determine the role of this variant in disease. Therefore, it has been classified as a Variant of Uncertain Significance.